The following is an entry in ClinVar:

NM_000038.6(APC):c.2588A>G (p.Tyr863Cys)

Gene: APC (APC regulator of Wnt signaling pathway; plus strand). Cytogenetic location: 5q22.2.
Variant type: single nucleotide variant.
Coding change: c.2588A>G on transcript NM_000038.6 (MANE Select); coding-DNA position 2588, A replaced by G.
Protein change: p.Tyr863Cys; replaces tyrosine 863 with cysteine.
Molecular consequence: missense variant.
Genome position (GRCh38, 1-based): chr5:112,838,182, A>G. VCF-style: chr5-112838182-A-G. GRCh37 (hg19) VCF-style: chr5-112173879-A-G.
Other names: c.2588A>G, p.Tyr863Cys (NM_001127510.3, NM_001354895.2); c.2534A>G, p.Tyr845Cys (NM_001127511.3); c.2642A>G, p.Tyr881Cys (NM_001354896.2); c.2618A>G, p.Tyr873Cys (NM_001354897.2); c.2513A>G, p.Tyr838Cys (NM_001354898.2); c.2504A>G, p.Tyr835Cys (NM_001354899.2); c.2465A>G, p.Tyr822Cys (NM_001354900.2); c.2411A>G, p.Tyr804Cys (NM_001354901.2); and 5 more; short protein forms Y845C, Y863C, Y772C, Y873C, Y804C, Y822C, Y580C, Y762C.
Identifiers: ClinVar variation 580442 (VCV000580442.54), dbSNP rs1561578213, ClinGen allele CA16026999.

ClinVar aggregate classification (germline): Uncertain significance. Review status: criteria provided, multiple submitters, no conflicts (2 of 4 stars). 4 submissions from 4 submitters: Uncertain significance (4). Last evaluated 2025-01-25.

Conditions:
Hereditary cancer-predisposing syndrome. Also called: Neoplastic Syndromes, Hereditary; Tumor predisposition; Hereditary neoplastic syndrome; Hereditary Cancer Syndrome. Identifiers: Orphanet 140162, MedGen C0027672, MeSH D009386, MONDO:0015356.
Familial adenomatous polyposis 1 (FAP1). Also called: FAMILIAL ADENOMATOUS POLYPOSIS 1, ATTENUATED; POLYPOSIS, ADENOMATOUS INTESTINAL. Identifiers: MedGen C2713442, MONDO:0021056, OMIM 175100. Disease mechanism: loss of function.

Submissions (4):

Ambry Genetics
Classification: Uncertain significance for Hereditary cancer-predisposing syndrome. Last evaluated: 2025-01-25. Review status: criteria provided, single submitter. Criteria: Ambry Variant Classification Scheme 2023. Collection method: clinical testing. Allele origin: germline.
Comment: The p.Y863C variant (also known as c.2588A>G), located in coding exon 15 of the APC gene, results from an A to G substitution at nucleotide position 2588. The tyrosine at codon 863 is replaced by cysteine, an amino acid with highly dissimilar properties. This amino acid position is not well conserved in available vertebrate species. In addition, in silico predictors for this gene do not accurately predict pathogenicity. Missense alterations in APC are not a common cause of disease (Spier I et al. Genet Med. 2024 Feb;26(2):100992). Based on the available evidence, the clinical significance of this variant remains unclear.

Labcorp Genetics (formerly Invitae), Labcorp
Classification: Uncertain significance for Familial adenomatous polyposis 1. Last evaluated: 2024-06-12. Review status: criteria provided, single submitter. Criteria: Invitae Variant Classification Sherloc (09022015). Collection method: clinical testing. Allele origin: germline.
Comment: This sequence change replaces tyrosine, which is neutral and polar, with cysteine, which is neutral and slightly polar, at codon 863 of the APC protein (p.Tyr863Cys). This variant is not present in population databases (gnomAD no frequency). This variant has not been reported in the literature in individuals affected with APC-related conditions. ClinVar contains an entry for this variant (Variation ID: 580442). Advanced modeling of protein sequence and biophysical properties (such as structural, functional, and spatial information, amino acid conservation, physicochemical variation, residue mobility, and thermodynamic stability) performed at Invitae indicates that this missense variant is not expected to disrupt APC protein function with a negative predictive value of 95%. In summary, the available evidence is currently insufficient to determine the role of this variant in disease. Therefore, it has been classified as a Variant of Uncertain Significance.

Baylor Genetics
Classification: Uncertain significance for Familial adenomatous polyposis 1. Last evaluated: 2023-05-26. Review status: criteria provided, single submitter. Criteria: ACMG Guidelines, 2015. Collection method: clinical testing. Allele origin: unknown.

Color Diagnostics, LLC DBA Color Health
Classification: Uncertain significance for Hereditary cancer-predisposing syndrome. Last evaluated: 2019-04-17. Review status: criteria provided, single submitter. Criteria: ACMG Guidelines, 2015. Collection method: clinical testing. Allele origin: germline.